The following is an entry in ClinVar:

NM_001378120.1(MBD5):c.520T>A (p.Ser174Thr)

Gene: MBD5 (methyl-CpG binding domain protein 5; plus strand). Cytogenetic location: 2q23.1.
Variant type: single nucleotide variant.
Coding change: c.520T>A on transcript NM_001378120.1 (MANE Select); coding-DNA position 520, T replaced by A.
Protein change: p.Ser174Thr; replaces serine 174 with threonine.
Molecular consequence: missense variant.
Genome position (GRCh38, 1-based): chr2:148,468,463, T>A. VCF-style: chr2-148468463-T-A. GRCh37 (hg19) VCF-style: chr2-149226032-T-A.
Other names: p.S174T:TCA>ACA; c.520T>A, p.Ser174Thr (NM_018328.5); short protein forms S174T.
Identifiers: ClinVar variation 206059 (VCV000206059.13), dbSNP rs773716719, ClinGen allele CA315774.

ClinVar aggregate classification (germline): Conflicting classifications of pathogenicity. Review status: criteria provided, conflicting classifications (1 of 4 stars). 3 submissions from 3 submitters: Uncertain significance (1); Likely benign (1). 1 of the submissions does not count toward it. Last evaluated 2025-06-10.

Conditions:
Intellectual developmental disorder, autosomal dominant 1. Also called: Intellectual disability, autosomal dominant 1; MBD5 Haploinsufficiency. Identifiers: Orphanet 228402, MedGen C1969562, MONDO:0007974, OMIM 156200.
Microcephaly. Also called: Microcephaly (disease). Identifiers: MedGen C4551563, MONDO:0001149, HP:0000252.

Allele frequency attached by ClinVar (database versions not stated): ExAC 0.00001; gnomAD 0.00001; gnomAD exomes 0.00001.
gnomAD v4.1: 7 of 1,613,688 alleles (0.00043%); highest among the groups gnomAD compares: East Asian, 0.011%; no homozygotes.

Submissions (3):

Labcorp Genetics (formerly Invitae), Labcorp
Classification: Likely benign for Intellectual developmental disorder, autosomal dominant 1. Last evaluated: 2025-06-10. Review status: criteria provided, single submitter. Criteria: Invitae Variant Classification Sherloc (09022015). Collection method: clinical testing. Allele origin: germline.

GeneDx
Classification: Uncertain significance. Last evaluated: 2014-03-11. Review status: criteria provided, single submitter. Criteria: GeneDx Variant Classification (06012015). Collection method: clinical testing. Allele origin: germline. Affected: yes.
Comment: p.Ser174Thr (TCA>ACA): c.520T>A in exon 9 of the MBD5 gene (NM_018328.4) The S174T variant has not been published as a mutation, nor has it been reported as a benign polymorphism to our knowledge. It was not observed in approximately 6,500 individuals of European and African American ancestry in the NHLBI Exome Sequencing Project, indicating it is not a common benign variant in these populations. This substitution occurs at a position that is conserved in mammals. However, the S174T variant is a conservative amino acid substitution, which is not likely to impact secondary protein structure as these residues share similar properties. Furthermore, in silico analysis predicts this variant likely does not alter the protein structure/function. Therefore, based on the currently available information, it is unclear whether this variant is a pathogenic mutation or a rare benign variant. The variant is found in CHILD-EPI panel(s).

Department of Pediatrics, Samsung Medical Center, Samsung Medical Center
Classification: Uncertain significance for Microcephaly. Review status: no assertion criteria provided. Criteria: ACMG Guidelines, 2015. Collection method: research. Allele origin: germline. Affected: yes. Not counted in ClinVar's aggregate classification.